The following is an entry in ClinVar:

NM_080632.3(UPF3B):c.263+3A>T

Gene: UPF3B (UPF3B regulator of nonsense mediated mRNA decay; minus strand). Cytogenetic location: Xq24.
Variant type: single nucleotide variant.
Coding change: c.263+3A>T on transcript NM_080632.3 (MANE Select); 3 bases into the intron after coding-DNA position 263, A replaced by T.
Molecular consequence: intron variant.
Genome position (GRCh38, 1-based): chrX:119,851,764, T>A on the plus strand (A>T on the coding strand, the complement: UPF3B is on the minus strand). VCF-style: chrX-119851764-T-A. GRCh37 (hg19) VCF-style: chrX-118985727-T-A.
Other names: c.263+3A>T (NM_023010.4).
Identifiers: ClinVar variation 1064846 (VCV001064846.2), dbSNP rs2147802765, ClinGen allele CA2499226338.

ClinVar aggregate classification (germline): Conflicting classifications of pathogenicity. Review status: criteria provided, conflicting classifications (1 of 4 stars). 2 submissions from 2 submitters: Likely pathogenic (1); Uncertain significance (1). Last evaluated 2025-06-10.

Conditions:
Neurodevelopmental disorder. Identifiers: MedGen C1535926, MeSH D065886, MONDO:0700092.

gnomAD v4.1: 1 of 968,487 alleles (0.0001%); highest among the groups gnomAD compares: Non-Finnish European, 0.00014%; no homozygotes.

Submissions (2):

GeneDx
Classification: Uncertain significance. Last evaluated: 2025-06-10. Review status: criteria provided, single submitter. Criteria: GeneDx Variant Classification Process June 2021. Collection method: clinical testing. Allele origin: germline. Affected: yes.
Comment: Not observed at significant frequency in large population cohorts (gnomAD); In silico analysis supports a deleterious effect on splicing; This variant is associated with the following publications: (PMID: 35032046)

Laboratory of Molecular Genetics (Pr. Bezieau's lab), CHU de Nantes
Classification: Likely pathogenic for Neurodevelopmental disorder. Last evaluated: 2021-03-30. Review status: criteria provided, single submitter. Criteria: ACMG Guidelines, 2015. Collection method: clinical testing. Allele origin: germline. Affected: yes.